The following is an entry in ClinVar:

NM_001100913.3(PACS2):c.2551A>G (p.Ser851Gly)

Gene: PACS2 (phosphofurin acidic cluster sorting protein 2; plus strand). Cytogenetic location: 14q32.33.
Variant type: single nucleotide variant.
Coding change: c.2551A>G on transcript NM_001100913.3 (MANE Select); coding-DNA position 2551, A replaced by G.
Protein change: p.Ser851Gly; replaces serine 851 with glycine.
Molecular consequence: missense variant.
Genome position (GRCh38, 1-based): chr14:105,393,290, A>G. VCF-style: chr14-105393290-A-G. GRCh37 (hg19) VCF-style: chr14-105859627-A-G.
Other names: c.2281A>G, p.Ser761Gly (NM_001243127.3); c.2506A>G, p.Ser836Gly (NM_015197.4); short protein forms S761G, S836G, S851G.
Identifiers: ClinVar variation 2872483 (VCV002872483.3), dbSNP rs782592694, ClinGen allele CA7389316.
Genomic context (GRCh38, chr14:105,393,290, plus strand): 5'-CTGCCCAAGAAAGCGAAGGACAAGGACGTGGAGTCTAAGAGCCAGTGCATTGAGGGCATC[A>G]GCCGGCTCATCTGCACTGCCAGGCAGCAGCAGAACATGCTGCGGGGTGAGCACCACCGGC-3'
Protein context (NP_001094383.2, residues 841-861): ESKSQCIEGI[Ser851Gly]RLICTARQQQ

ClinVar aggregate classification (germline): Uncertain significance (1 of 4 stars; one submission).

Allele frequency attached by ClinVar (database versions not stated): gnomAD exomes 0.00001; ExAC 0.00003.
gnomAD v4.1: 5 of 1,612,644 alleles (0.00031%); highest among the groups gnomAD compares: South Asian, 0.0055%; no homozygotes.

Submission:

Labcorp Genetics (formerly Invitae), Labcorp
Classification: Uncertain significance. Last evaluated: 2022-12-11. Review status: criteria provided, single submitter. Criteria: Invitae Variant Classification Sherloc (09022015). Collection method: clinical testing. Allele origin: germline.
Comment: This variant is present in population databases (rs782592694, gnomAD 0.01%). This sequence change replaces serine, which is neutral and polar, with glycine, which is neutral and non-polar, at codon 851 of the PACS2 protein (p.Ser851Gly). In summary, the available evidence is currently insufficient to determine the role of this variant in disease. Therefore, it has been classified as a Variant of Uncertain Significance. This variant has not been reported in the literature in individuals affected with PACS2-related conditions. Advanced modeling of protein sequence and biophysical properties (such as structural, functional, and spatial information, amino acid conservation, physicochemical variation, residue mobility, and thermodynamic stability) performed at Invitae indicates that this missense variant is not expected to disrupt PACS2 protein function.